The following is an entry in ClinVar:

NM_001360.3(DHCR7):c.-132+6_-132+28del

Gene: DHCR7 (7-dehydrocholesterol reductase; minus strand). Cytogenetic location: 11q13.4.
Variant type: Deletion.
Coding change: c.-132+6_-132+28del on transcript NM_001360.3 (MANE Select); bases 6 to 28 of the intron after 132 bases upstream of the start codon, 23 bases deleted (TGGCCAAGGTGTGCGCAGGTGAG).
Molecular consequence: splice donor variant. On other transcripts: intron variant (2).
Genome position (GRCh38, 1-based): chr11:71,448,262-71,448,284, CTCACCTGCGCACACCTTGGCCA deleted on the plus strand (TGGCCAAGGTGTGCGCAGGTGAG on the coding strand, the reverse complement: DHCR7 is on the minus strand); deleting any 23 consecutive bases within chr11:71,448,262-71,448,301 gives the same sequence; the c. name uses the placement nearest the transcript's 3' end. VCF-style (leftmost placement, unchanged base first): chr11-71448261-CCTCACCTGCGCACACCTTGGCCA-C. GRCh37 (hg19) VCF-style: chr11-71159307-CCTCACCTGCGCACACCTTGGCCA-C.
Other names: c.-132+6_-132+28del (NM_001425120.1, NM_001425114.1, NM_001425116.1 and 8 more transcripts); c.-132+429_-132+451del (NM_001425109.1); c.-132+29_-132+51del (NM_001163817.2); c.-377+6_-377+28del (NM_001425117.1); c.-139_-132+15del (NM_001425110.1).
Identifiers: ClinVar variation 4884138 (VCV004884138.2).

ClinVar aggregate classification (germline): Uncertain significance (1 of 4 stars; one submission).

Submission:

Dasa
Classification: Uncertain significance. Last evaluated: 2025-11-01. Review status: criteria provided, single submitter. Criteria: DASA Assertion Criteria. Collection method: clinical testing. Allele origin: germline.
Comment: NM_001360.3(DHCR7):c.-132+6_-132+28del is an intronic variant. This variant is rare in population databases. The currently available literature and clinical evidence are not sufficient to establish a definitive association between this variant and the reported condition. Therefore, this variant is classified as a variant of uncertain significance.